The following is an entry in ClinVar:

ClinVar aggregate classification (germline): Pathogenic (1 of 4 stars; one submission).

Conditions:
Meckel-Gruber syndrome. Also called: GRUBER SYNDROME; DYSENCEPHALIA SPLANCHNOCYSTICA; Dysencephalia splachnocystica. Identifiers: Orphanet 564, MedGen C0265215, MONDO:0018921.
Joubert syndrome. Also called: Familial aplasia of the vermis; JOUBERT-BOLTSHAUSER SYNDROME; CEREBELLOPARENCHYMAL DISORDER IV. Identifiers: Orphanet 475, MedGen C5979921, MONDO:0018772.
Nephronophthisis. Also called: Juvenile Nephronophthisis. Identifiers: Orphanet 655, MedGen C0687120, MONDO:0019005, HP:0000090.

Submission:

Labcorp Genetics (formerly Invitae), Labcorp
Classification: Pathogenic for Joubert syndrome; Meckel-Gruber syndrome; Nephronophthisis. Last evaluated: 2025-09-04. Review status: criteria provided, single submitter. Criteria: Invitae Variant Classification Sherloc (09022015). Collection method: clinical testing. Allele origin: germline.
Comment: This sequence change inserts a large fragment of DNA, likely a transposable element, in exon 54 of the CEP290 gene (c.7322_7323ins?), causing a frameshift at codon 2441 (p.Leu2441fs). The exact size and sequence of the insertion cannot be determined by the current assay. However, the insertion is expected to result in an absent or disrupted protein product. This variant is not present in population databases (gnomAD no frequency). This variant has not been reported in the literature in individuals affected with CEP290-related conditions. This variant disrupts a region of the CEP290 protein in which other variant(s) (p.Leu2448Thrfs*8) have been determined to be pathogenic (PMID: 2958846, 16682973, 16909394). This suggests that this is a clinically significant region of the protein, and that variants that disrupt it are likely to be disease-causing. Retrotransposon insertions including LINE1 (L1), Alu, and SVA (SINE-VNTR-Alu) have been reported to disrupt protein function (PMID: 19763152, 20307669, 22406018). However the effect of this particular variant is unknown. For these reasons, this variant has been classified as Pathogenic.

Literature cited by the submitters: PubMed 2958846; PubMed 16682973; PubMed 16909394; PubMed 19763152; PubMed 20307669; PubMed 22406018.

NM_025114.4(CEP290):c.7322_7323insCCCCGTCTCTACTAAAAATACAAAAAATCAGCCGGGCGCGGTGGCGGGCGCCTGTAGTCCCAGCTACTCGNNNNNNNNNNAAAAAAAAAAAAAAAAAAAATATTCTCTT (p.Leu2441fs)

Genes: CEP290 (centrosomal protein 290; minus strand), RLIG1 (RNA 5'-phosphate and 3'-OH ligase 1; plus strand). Cytogenetic location: 12q21.32.
Variant type: Insertion.
Coding change: c.7322_7323insCCCCGTCTCTACTAAAAATACAAAAAATCAGCCGGGCGCGGTGGCGGGCGCCTGTAGTCCCAGCTACTCGNNNNNNNNNNAAAAAAAAAAAAAAAAAAAATATTCTCTT on transcript NM_025114.4 (MANE Select); coding-DNA positions 7322 to 7323, CCCCGTCTCTACTAAAAATACAAAAAATCAGCCGGGCGCGGTGGCGGGCGCCTGTAGTCCCAGCTACTCGNNNNNNNNNNAAAAAAAAAAAAAAAAAAAATATTCTCTT inserted.
Protein change: p.Leu2441fs; shifts the reading frame from leucine 2441.
Molecular consequence: frameshift variant. On other transcripts: 3 prime UTR variant (1).
Genome position: GRCh38: chr12:88,049,312-88,049,313. GRCh37 (hg19): chr12:88,443,089-88,443,090.
Other names: c.*890_*891insTTTTTTTTTTTTTTTTTTNNNNNNNNNNCGAGTAGCTGGGACTACAGGCGCCCGCCACCGCGCCCGGCTGATTTTTTGTATTTTTAGTAGAGACGGGGAAGAGAATATT (NM_001009894.3); short protein forms L2441fs.
Identifiers: ClinVar variation 4785203 (VCV004785203.1).